The following is an entry in ClinVar:

NM_001378969.1(KCND3):c.627G>C (p.Thr209=)

Gene: KCND3 (potassium voltage-gated channel subfamily D member 3; minus strand). Cytogenetic location: 1p13.2.
Variant type: single nucleotide variant.
Coding change: c.627G>C on transcript NM_001378969.1 (MANE Select); coding-DNA position 627, G replaced by C.
Protein change: p.Thr209=; no amino-acid change (threonine 209 retained).
Molecular consequence: synonymous variant.
Genome position (GRCh38, 1-based): chr1:111,982,100, C>G on the plus strand (G>C on the coding strand, the complement: KCND3 is on the minus strand). VCF-style: chr1-111982100-C-G. GRCh37 (hg19) VCF-style: chr1-112524722-C-G.
Other names: p.Thr209=; c.627G>C, p.Thr209= (NM_001378970.1, NM_004980.5, NM_172198.3).
Identifiers: ClinVar variation 264148 (VCV000264148.23), dbSNP rs149299911, ClinGen allele CA1007579.
Genomic context (GRCh38, chr1:111,982,100, plus strand): 5'-CAGGCAGAAGAAGGCCACCGAGTAGCGCTCCCCGCACGGCAGCTCCTTGCTGCCCGGGAC[C>G]GTGCCGCACGGCACCGTCTCCACCACGTTGGTGATGACCGAGACAGCGATGAAGAAGCCA-3'
Protein context (NP_001365898.1, residues 199-219): TNVVETVPCG[Thr209=]VPGSKELPCG

ClinVar aggregate classification (germline): Benign/Likely benign. Review status: criteria provided, multiple submitters, no conflicts (2 of 4 stars). 9 submissions from 9 submitters: Benign (4); Likely benign (3). 2 of the submissions do not count toward it. Last evaluated 2026-01-20.

Conditions:
Cardiovascular phenotype. Identifiers: MedGen CN230736.
Spinocerebellar ataxia type 19/22 (SCA19). Also called: SPINOCEREBELLAR ATAXIA 19; SPINOCEREBELLAR ATAXIA 22. Identifiers: Orphanet 98772, MedGen C1846367, MONDO:0011819, OMIM 607346.

Allele frequency attached by ClinVar (database versions not stated): gnomAD exomes 0.00043; ExAC 0.00050; 1000 Genomes Project 0.00140; 1000 Genomes Project 30x 0.00141; gnomAD 0.00176 and 0.00182; TOPMed 0.00202; ESP Exome Variant Server 0.00231.
gnomAD v4.1: 490 of 1,613,708 alleles (0.03%); highest among the groups gnomAD compares: African/African-American, 0.6%; 2 homozygotes.

Submissions (9):

Labcorp Genetics (formerly Invitae), Labcorp
Classification: Benign for Spinocerebellar ataxia type 19/22. Last evaluated: 2026-01-20. Review status: criteria provided, single submitter. Criteria: Invitae Variant Classification Sherloc (09022015). Collection method: clinical testing. Allele origin: germline.

Women's Health and Genetics/Laboratory Corporation of America, LabCorp
Classification: Benign. Last evaluated: 2025-12-15. Review status: criteria provided, single submitter. Criteria: LabCorp Variant Classification Summary - May 2015. Collection method: clinical testing. Allele origin: germline.

Mayo Clinic Laboratories, Mayo Clinic
Classification: Benign. Last evaluated: 2025-06-17. Review status: criteria provided, single submitter. Criteria: ACMG Guidelines, 2015. Collection method: clinical testing. Allele origin: germline. Observed: 1 variant allele.
Comment: BS1, BS2, BP4, BP7

Blueprint Genetics
Classification: Likely benign. Last evaluated: 2024-11-23. Review status: criteria provided, single submitter. Criteria: ACMG Guidelines, 2015. Collection method: clinical testing. Allele origin: germline.

GeneDx
Classification: Likely benign. Last evaluated: 2020-07-31. Review status: criteria provided, single submitter. Criteria: GeneDx Variant Classification Process June 2021. Collection method: clinical testing. Allele origin: germline. Affected: yes.

Ambry Genetics
Classification: Benign for Cardiovascular phenotype. Last evaluated: 2015-07-15. Review status: criteria provided, single submitter. Criteria: Ambry Variant Classification Scheme 2023. Collection method: clinical testing. Allele origin: germline.

Breakthrough Genomics
Classification: Likely benign. Review status: criteria provided, single submitter. Criteria: ACMG Guidelines, 2015. Collection method: not provided. Allele origin: germline. Inheritance: Autosomal dominant inheritance. Affected: yes.

Clinical Genetics, Academic Medical Center
Classification: Benign. Review status: no assertion criteria provided. Collection method: clinical testing. Allele origin: germline. Affected: yes. Study: VKGL Data-share Consensus. Not counted in ClinVar's aggregate classification.

Genome Diagnostics Laboratory, University Medical Center Utrecht
Classification: Likely benign. Review status: no assertion criteria provided. Collection method: clinical testing. Allele origin: germline. Affected: yes. Study: VKGL Data-share Consensus. Not counted in ClinVar's aggregate classification.